The following is an entry in ClinVar:

ClinVar aggregate classification (germline): Benign. Review status: criteria provided, multiple submitters, no conflicts (2 of 4 stars). 3 submissions from 3 submitters: Benign (3). Last evaluated 2024-07-15.

Allele frequency attached by ClinVar (database versions not stated): TOPMed 0.11635; gnomAD 0.12387 and 0.12839; ESP Exome Variant Server 0.12512; 1000 Genomes Project 30x 0.13429; 1000 Genomes Project 0.13558; gnomAD exomes 0.16191; ExAC 0.16573.
gnomAD v4.1: 258,316 of 1,534,664 alleles (17%); highest among the groups gnomAD compares: South Asian, 24%; 23,515 homozygotes.

Submissions (3):

Unidad de Genómica Garrahan, Hospital de Pediatría Garrahan
Classification: Benign. Last evaluated: 2024-07-15. Review status: criteria provided, single submitter. Criteria: ACMG Guidelines, 2015. Collection method: clinical testing. Allele origin: germline. Affected: no. Observed: 23 variant alleles.
Comment: This variant is classified as Benign based on local population frequency. This variant was detected in 25% of patients studied in a panel designed for Epileptic and Developmental Encephalopathy and Progressive Myoclonus Epilepsy. Number of patients: 23. Only high quality variants are reported.

GeneDx
Classification: Benign. Last evaluated: 2018-11-10. Review status: criteria provided, single submitter. Criteria: GeneDx Variant Classification Process June 2021. Collection method: clinical testing. Allele origin: germline. Affected: yes.

Breakthrough Genomics
Classification: Benign. Review status: criteria provided, single submitter. Criteria: ACMG Guidelines, 2015. Collection method: not provided. Allele origin: germline. Inheritance: Autosomal recessive inheritance. Affected: yes.

NM_001142416.2(AIMP1):c.604-51A>T

Gene: AIMP1 (aminoacyl tRNA synthetase complex interacting multifunctional protein 1; plus strand). Cytogenetic location: 4q24.
Variant type: single nucleotide variant.
Coding change: c.604-51A>T on transcript NM_001142416.2 (MANE Select); 51 bases into the intron before coding-DNA position 604, A replaced by T.
Molecular consequence: intron variant.
Genome position (GRCh38, 1-based): chr4:106,336,818, A>T. VCF-style: chr4-106336818-A-T. GRCh37 (hg19) VCF-style: chr4-107257975-A-T.
Other names: c.604-51A>T (NM_001142415.2, NM_004757.4).
Identifiers: ClinVar variation 1226599 (VCV001226599.6), dbSNP rs3737497, ClinGen allele CA3035770.